The following is an entry in ClinVar:

NM_000089.4(COL1A2):c.1654C>T (p.Pro552Ser)

Gene: COL1A2 (collagen type I alpha 2 chain; plus strand). Cytogenetic location: 7q21.3.
Variant type: single nucleotide variant.
Coding change: c.1654C>T on transcript NM_000089.4 (MANE Select); coding-DNA position 1654, C replaced by T.
Protein change: p.Pro552Ser; replaces proline 552 with serine.
Molecular consequence: missense variant.
Genome position (GRCh38, 1-based): chr7:94,413,936, C>T. VCF-style: chr7-94413936-C-T. GRCh37 (hg19) VCF-style: chr7-94043248-C-T.
Other names: short protein forms P552S.
Identifiers: ClinVar variation 393240 (VCV000393240.21), dbSNP rs763695362, ClinGen allele CA4347147.

ClinVar aggregate classification (germline): Conflicting classifications of pathogenicity. Review status: criteria provided, conflicting classifications (1 of 4 stars). 6 submissions from 6 submitters: Uncertain significance (5); Likely benign (1). Last evaluated 2025-11-10.

Conditions:
Ehlers-Danlos syndrome, classic type, 1 (EDSCL1). Also called: EDS I; EHLERS-DANLOS SYNDROME, GRAVIS TYPE; EHLERS-DANLOS SYNDROME, SEVERE CLASSIC TYPE; Ehlers-Danlos syndrome, type 1; Ehlers-Danlos Syndrome, Classic Type, COL5A1-Related. Identifiers: MedGen C0268335, MONDO:0019567, OMIM 130000.
Osteogenesis imperfecta type I (OI1). Also called: OI, TYPE I; OSTEOGENESIS IMPERFECTA TARDA; OSTEOGENESIS IMPERFECTA WITH BLUE SCLERAE; Classic Non-deforming Osteogenesis Imperfecta with Blue Sclerae; Lobstein's Disease; Osteogenesis imperfecta type 1. Identifiers: Orphanet 216796, Orphanet 666, MedGen C0023931, MONDO:0008146, OMIM 166200. Disease mechanism: loss of function.
Cardiovascular phenotype. Identifiers: MedGen CN230736.

Allele frequency attached by ClinVar (database versions not stated): gnomAD 0.00001; TOPMed 0.00001; gnomAD exomes 0.00002 and 0.00004; ExAC 0.00003.
gnomAD v4.1: 71 of 1,613,338 alleles (0.0044%); highest among the groups gnomAD compares: Middle Eastern, 0.13%; 1 homozygote.

Submissions (6):

Women's Health and Genetics/Laboratory Corporation of America, LabCorp
Classification: Uncertain significance. Last evaluated: 2025-11-10. Review status: criteria provided, single submitter. Criteria: LabCorp Variant Classification Summary - May 2015. Collection method: clinical testing. Allele origin: germline.
Comment: Variant summary: COL1A2 c.1654C>T (p.Pro552Ser) results in a non-conservative amino acid change in the encoded protein sequence. Algorithms developed to predict the effect of missense changes on protein structure and function all suggest that this variant is likely to be disruptive. The variant allele was found at a frequency of 2e-05 in 251406 control chromosomes. The available data on variant occurrences in the general population are insufficient to allow any conclusion about variant significance. To our knowledge, no occurrence of c.1654C>T in individuals affected with COL1A2-related conditions and no experimental evidence demonstrating its impact on protein function have been reported. ClinVar contains an entry for this variant (Variation ID: 393240). Based on the evidence outlined above, the variant was classified as uncertain significance.

GeneDx
Classification: Uncertain significance. Last evaluated: 2025-10-01. Review status: criteria provided, single submitter. Criteria: GeneDx Variant Classification Process June 2021. Collection method: clinical testing. Allele origin: germline. Affected: yes.
Comment: Has not been previously published as pathogenic or benign to our knowledge; In silico analysis supports that this missense variant has a deleterious effect on protein structure/function; Occurs in the triple helical domain at the Y position in the canonical Gly-X-Y repeat; although this variant may have an effect on normal protein folding and function, missense substitution at the Y position is not a common mechanism of disease (HGMD)

Labcorp Genetics (formerly Invitae), Labcorp
Classification: Uncertain significance for Osteogenesis imperfecta type I; Ehlers-Danlos syndrome, classic type, 1. Last evaluated: 2025-08-13. Review status: criteria provided, single submitter. Criteria: Invitae Variant Classification Sherloc (09022015). Collection method: clinical testing. Allele origin: germline.
Comment: This sequence change replaces proline, which is neutral and non-polar, with serine, which is neutral and polar, at codon 552 of the COL1A2 protein (p.Pro552Ser). This variant is present in population databases (rs763695362, gnomAD 0.006%). This variant has not been reported in the literature in individuals affected with COL1A2-related conditions. ClinVar contains an entry for this variant (Variation ID: 393240). Invitae Evidence Modeling of protein sequence and biophysical properties (such as structural, functional, and spatial information, amino acid conservation, physicochemical variation, residue mobility, and thermodynamic stability) indicates that this missense variant is not expected to disrupt COL1A2 protein function with a negative predictive value of 95%. In summary, the available evidence is currently insufficient to determine the role of this variant in disease. Therefore, it has been classified as a Variant of Uncertain Significance.

ARUP Laboratories, Molecular Genetics and Genomics, ARUP Laboratories
Classification: Uncertain significance. Last evaluated: 2025-04-30. Review status: criteria provided, single submitter. Criteria: ARUP Molecular Germline Variant Investigation Process 2024. Collection method: clinical testing. Allele origin: germline.
Comment: The COL1A2 c.1654C>T; p.Pro552Ser variant (rs763695362), to our knowledge, is not reported in the medical literature but is reported in ClinVar (Variation ID: 393240). This variant is found in the general population with an overall allele frequency of 0.002% (6/282,778 alleles) in the Genome Aggregation Database (v2.1.1). Computational analyses are uncertain whether this variant is neutral or deleterious (REVEL: 0.419). Due to limited information, the clinical significance of this variant is uncertain at this time.

Ambry Genetics
Classification: Uncertain significance for Cardiovascular phenotype. Last evaluated: 2025-03-11. Review status: criteria provided, single submitter. Criteria: Ambry Variant Classification Scheme 2023. Collection method: clinical testing. Allele origin: germline.
Comment: The p.P552S variant (also known as c.1654C>T), located in coding exon 28 of the COL1A2 gene, results from a C to T substitution at nucleotide position 1654. The proline at codon 552 is replaced by serine, an amino acid with similar properties. This amino acid position is well conserved in available vertebrate species. In addition, the in silico prediction for this alteration is inconclusive. Based on the available evidence, the clinical significance of this variant remains unclear.

Blueprint Genetics
Classification: Likely benign. Last evaluated: 2024-04-09. Review status: criteria provided, single submitter. Criteria: ACMG Guidelines, 2015. Collection method: clinical testing. Allele origin: germline.